The following is an entry in ClinVar:

ClinVar aggregate classification (germline): Uncertain significance. Review status: criteria provided, single submitter (1 of 4 stars). 2 submissions from 2 submitters: Uncertain significance (1). 1 of the submissions does not count toward it. Last evaluated 2011-11-03.

Conditions:
Usher syndrome type 1 (USH1). Also called: RETINITIS PIGMENTOSA AND CONGENITAL DEAFNESS. Identifiers: Orphanet 231169, Orphanet 886, MedGen C1568247, MONDO:0010168, OMIM 276900.
Autosomal recessive nonsyndromic hearing loss 2. Also called: DEAFNESS, AUTOSOMAL RECESSIVE 2; NEUROSENSORY NONSYNDROMIC RECESSIVE DEAFNESS 2. Identifiers: Orphanet 90636, MedGen C1838701, MONDO:0010807, OMIM 600060.

Allele frequency attached by ClinVar (database versions not stated): gnomAD exomes 0.00001.
gnomAD v4.1: 8 of 1,613,312 alleles (0.0005%); highest among the groups gnomAD compares: South Asian, 0.0011%; no homozygotes.

Submissions (2):

Laboratory for Molecular Medicine, Mass General Brigham Personalized Medicine
Classification: Uncertain significance. Last evaluated: 2011-11-03. Review status: criteria provided, single submitter. Criteria: LMM Criteria. Collection method: clinical testing. Allele origin: germline. Observed: 1 variant allele.
Comment: The Pro987Leu variant in MYO7A has not been reported in the literature nor previ ously identified by our laboratory. Computational analyses (biochemical amino ac id properties, homology, PolyPhen2, SIFT, AlignGVGD) do not provide strong suppo rt for or against pathogenicity. In summary, the clinical significance of this v ariant cannot be determined with certainty at this time.

Counsyl
Classification: Uncertain significance for Usher syndrome type 1; Autosomal recessive nonsyndromic hearing loss 2. Last evaluated: 2018-03-29. Review status: no assertion criteria provided. Collection method: clinical testing. Allele origin: unknown. Not counted in ClinVar's aggregate classification.

NM_000260.4(MYO7A):c.2960C>T (p.Pro987Leu)

Gene: MYO7A (myosin VIIA; plus strand). Cytogenetic location: 11q13.5.
Variant type: single nucleotide variant.
Coding change: c.2960C>T on transcript NM_000260.4 (MANE Select); coding-DNA position 2960, C replaced by T.
Protein change: p.Pro987Leu; replaces proline 987 with leucine.
Molecular consequence: missense variant.
Genome position (GRCh38, 1-based): chr11:77,182,006, C>T. VCF-style: chr11-77182006-C-T. GRCh37 (hg19) VCF-style: chr11-76893052-C-T.
Other names: c.2960C>T, p.Pro987Leu (NM_001127180.2); c.2927C>T, p.Pro976Leu (NM_001369365.1); short protein forms P987L, P976L.
Identifiers: ClinVar variation 43197 (VCV000043197.6), dbSNP rs397516298, ClinGen allele CA132274.